The following is an entry in ClinVar:

ClinVar aggregate classification (germline): Uncertain significance. Review status: criteria provided, multiple submitters, no conflicts (2 of 4 stars). 3 submissions from 3 submitters: Uncertain significance (3). Last evaluated 2024-04-05.

Conditions:
Colorectal cancer, hereditary nonpolyposis, type 7. Identifiers: Orphanet 144, MedGen C1858380, MONDO:0013725, OMIM 614385.

Allele frequency attached by ClinVar (database versions not stated): TOPMed below 0.00001; gnomAD exomes 0.00001; ExAC 0.00002.
gnomAD v4.1: 14 of 1,613,934 alleles (0.00087%); highest among the groups gnomAD compares: Non-Finnish European, 0.0011%; no homozygotes.

Submissions (3):

Blueprint Genetics
Classification: Uncertain significance. Last evaluated: 2024-04-05. Review status: criteria provided, single submitter. Criteria: ACMG Guidelines, 2015. Collection method: clinical testing. Allele origin: germline.

Ambry Genetics
Classification: Uncertain significance. Last evaluated: 2023-11-28. Review status: criteria provided, single submitter. Criteria: Ambry Variant Classification Scheme 2023. Collection method: clinical testing. Allele origin: germline.
Comment: The p.P87L variant (also known as c.260C>T), located in coding exon 1 of the MLH3 gene, results from a C to T substitution at nucleotide position 260. The proline at codon 87 is replaced by leucine, an amino acid with similar properties. This amino acid position is conserved. In addition, this alteration is predicted to be tolerated by in silico analysis. Since supporting evidence is limited at this time, the clinical significance of this alteration remains unclear.

Labcorp Genetics (formerly Invitae), Labcorp
Classification: Uncertain significance for Colorectal cancer, hereditary nonpolyposis, type 7. Last evaluated: 2023-05-13. Review status: criteria provided, single submitter. Criteria: Invitae Variant Classification Sherloc (09022015). Collection method: clinical testing. Allele origin: germline.
Comment: This sequence change replaces proline, which is neutral and non-polar, with leucine, which is neutral and non-polar, at codon 87 of the MLH3 protein (p.Pro87Leu). This variant is present in population databases (rs749968114, gnomAD 0.005%). This variant has not been reported in the literature in individuals affected with MLH3-related conditions. ClinVar contains an entry for this variant (Variation ID: 1793773). In summary, the available evidence is currently insufficient to determine the role of this variant in disease. Therefore, it has been classified as a Variant of Uncertain Significance. An algorithm developed to predict the effect of missense changes on protein structure and function (PolyPhen-2) suggests that this variant is likely to be tolerated.

NM_001040108.2(MLH3):c.260C>T (p.Pro87Leu)

Gene: MLH3 (mutL homolog 3; minus strand). Cytogenetic location: 14q24.3.
Variant type: single nucleotide variant.
Coding change: c.260C>T on transcript NM_001040108.2 (MANE Select); coding-DNA position 260, C replaced by T.
Protein change: p.Pro87Leu; replaces proline 87 with leucine.
Molecular consequence: missense variant.
Genome position (GRCh38, 1-based): chr14:75,049,396, G>A on the plus strand (C>T on the coding strand, the complement: MLH3 is on the minus strand). VCF-style: chr14-75049396-G-A. GRCh37 (hg19) VCF-style: chr14-75516099-G-A.
Other names: c.260C>T, p.Pro87Leu (NM_014381.3); short protein forms P87L.
Identifiers: ClinVar variation 1793773 (VCV001793773.6), dbSNP rs749968114, ClinGen allele CA7276066.